The following is an entry in ClinVar:

ClinVar aggregate classification (germline): other (0 of 4 stars; one submission).

Conditions:
Familial colorectal cancer. Identifiers: MedGen CN280943, MONDO:0023113. Disease mechanism: loss of function.

Submission:

Systems Biology Platform Zhejiang California International NanoSystems Institute
Classification: other for Familial colorectal cancer. Review status: no assertion criteria provided. Collection method: not provided. Allele origin: unknown.
ClinVar note: Converted during submission from cancer to other.

NM_000038.6(APC):c.1743+527C>A

Gene: APC (APC regulator of WNT signaling pathway; plus strand). Cytogenetic location: 5q22.2.
Variant type: single nucleotide variant.
Coding change: c.1743+527C>A on transcript NM_000038.6 (MANE Select); 527 bases into the intron after coding-DNA position 1743, C replaced by A.
Molecular consequence: intron variant.
Genome position (GRCh38, 1-based): chr5:112,829,499, C>A. VCF-style: chr5-112829499-C-A. GRCh37 (hg19) VCF-style: chr5-112165196-C-A.
Other names: c.1743+527C>A (NM_001354895.2, NM_001127510.3); c.1773+527C>A (NM_001354897.2); c.1470+527C>A (NM_001354902.2); c.1689+527C>A (NM_001127511.3); c.1668+527C>A (NM_001354898.2); c.1365+527C>A (NM_001354904.2); c.894+527C>A (NM_001354906.2); c.1797+527C>A (NM_001354896.2); and 5 more.
Identifiers: ClinVar variation 82587 (VCV000082587.2), dbSNP rs76813345, ClinGen allele CA005695.